The following is an entry in ClinVar:

ClinVar aggregate classification (germline): Uncertain significance (1 of 4 stars; one submission).

Submission:

Labcorp Genetics (formerly Invitae), Labcorp
Classification: Uncertain significance. Last evaluated: 2024-09-04. Review status: criteria provided, single submitter. Criteria: Invitae Variant Classification Sherloc (09022015). Collection method: clinical testing. Allele origin: germline.
Comment: This sequence change replaces isoleucine, which is neutral and non-polar, with asparagine, which is neutral and polar, at codon 2692 of the KMT2A protein (p.Ile2692Asn). This variant is not present in population databases (gnomAD no frequency). This variant has not been reported in the literature in individuals affected with KMT2A-related conditions. Invitae Evidence Modeling of protein sequence and biophysical properties (such as structural, functional, and spatial information, amino acid conservation, physicochemical variation, residue mobility, and thermodynamic stability) has been performed for this missense variant. However, the output from this modeling did not meet the statistical confidence thresholds required to predict the impact of this variant on KMT2A protein function. In summary, the available evidence is currently insufficient to determine the role of this variant in disease. Therefore, it has been classified as a Variant of Uncertain Significance.

NM_001197104.2(KMT2A):c.8075T>A (p.Ile2692Asn)

Gene: KMT2A (lysine methyltransferase 2A; plus strand). Cytogenetic location: 11q23.3.
Variant type: single nucleotide variant.
Coding change: c.8075T>A on transcript NM_001197104.2 (MANE Select); coding-DNA position 8075, T replaced by A.
Protein change: p.Ile2692Asn; replaces isoleucine 2692 with asparagine.
Molecular consequence: missense variant.
Genome position (GRCh38, 1-based): chr11:118,503,967, T>A. VCF-style: chr11-118503967-T-A. GRCh37 (hg19) VCF-style: chr11-118374682-T-A.
Other names: c.8165T>A, p.Ile2722Asn (NM_001412597.1); c.8066T>A, p.Ile2689Asn (NM_005933.4); short protein forms I2689N, I2692N, I2722N.
Identifiers: ClinVar variation 3634344 (VCV003634344.2).